The following is an entry in ClinVar:

ClinVar aggregate classification (germline): Uncertain significance. Review status: criteria provided, multiple submitters, no conflicts (2 of 4 stars). 3 submissions from 3 submitters: Uncertain significance (3). Last evaluated 2026-09-08.

Conditions:
Inborn genetic diseases. Identifiers: MedGen C0950123, MeSH D030342.
Developmental and epileptic encephalopathy, 53. Also called: Epileptic encephalopathy, early infantile, 53. Identifiers: MedGen C4479313, MONDO:0033362, OMIM 617389.
Early-onset Parkinson disease 20. Also called: PARKINSON DISEASE 20, AUTOSOMAL RECESSIVE EARLY-ONSET. Identifiers: Orphanet 391411, MedGen C3809824, MONDO:0014233, OMIM 615530.

Allele frequency attached by ClinVar (database versions not stated): 1000 Genomes Project 0.00040; 1000 Genomes Project 30x 0.00047.
gnomAD v4.1: 103 of 1,614,170 alleles (0.0064%); highest among the groups gnomAD compares: South Asian, 0.11%; no homozygotes.

Submissions (3):

GeneDx
Classification: Uncertain significance. Last evaluated: 2026-09-08. Review status: criteria provided, single submitter. Criteria: GeneDx Variant Classification Process June 2021. Collection method: clinical testing. Allele origin: germline.
Comment: In silico analysis supports that this missense variant has a deleterious effect on protein structure/function; Has not been previously published as pathogenic or benign to our knowledge

Ambry Genetics
Classification: Uncertain significance for Inborn genetic diseases. Last evaluated: 2024-12-17. Review status: criteria provided, single submitter. Criteria: Ambry Variant Classification Scheme 2023. Collection method: clinical testing. Allele origin: germline.

Labcorp Genetics (formerly Invitae), Labcorp
Classification: Uncertain significance for Developmental and epileptic encephalopathy, 53; Early-onset Parkinson disease 20. Last evaluated: 2021-11-21. Review status: criteria provided, single submitter. Criteria: Invitae Variant Classification Sherloc (09022015). Collection method: clinical testing. Allele origin: germline.
Comment: This sequence change replaces threonine, which is neutral and polar, with isoleucine, which is neutral and non-polar, at codon 881 of the SYNJ1 protein (p.Thr881Ile). This variant is present in population databases (rs370346211, gnomAD 0.08%). This variant has not been reported in the literature in individuals affected with SYNJ1-related conditions. ClinVar contains an entry for this variant (Variation ID: 859350). Algorithms developed to predict the effect of missense changes on protein structure and function are either unavailable or do not agree on the potential impact of this missense change (SIFT: "Deleterious"; PolyPhen-2: "Possibly Damaging"; Align-GVGD: "Class C0"). In summary, the available evidence is currently insufficient to determine the role of this variant in disease. Therefore, it has been classified as a Variant of Uncertain Significance.

NM_203446.3(SYNJ1):c.2525C>T (p.Thr842Ile)

Gene: SYNJ1 (synaptojanin 1; minus strand). Cytogenetic location: 21q22.11.
Variant type: single nucleotide variant.
Coding change: c.2525C>T on transcript NM_203446.3 (MANE Select); coding-DNA position 2525, C replaced by T.
Protein change: p.Thr842Ile; replaces threonine 842 with isoleucine.
Molecular consequence: missense variant.
Genome position (GRCh38, 1-based): chr21:32,657,057, G>A on the plus strand (C>T on the coding strand, the complement: SYNJ1 is on the minus strand). VCF-style: chr21-32657057-G-A. GRCh37 (hg19) VCF-style: chr21-34029367-G-A.
Other names: c.2525C>T, p.Thr842Ile (NM_001160302.2); c.2510C>T, p.Thr837Ile (NM_001160306.2); c.2642C>T, p.Thr881Ile (NM_003895.4); short protein forms T837I, T842I, T881I.
Identifiers: ClinVar variation 859350 (VCV000859350.8), dbSNP rs370346211, ClinGen allele CA10003641.